The following is an entry in ClinVar:

ClinVar aggregate classification (germline): Pathogenic (1 of 4 stars; one submission).

Conditions:
Hereditary cancer-predisposing syndrome. Also called: Neoplastic Syndromes, Hereditary; Tumor predisposition; Hereditary Cancer Syndrome; Hereditary neoplastic syndrome. Identifiers: Orphanet 140162, MedGen C0027672, MeSH D009386, MONDO:0015356.

Submission:

Color Diagnostics, LLC DBA Color Health
Classification: Pathogenic for Hereditary cancer-predisposing syndrome. Last evaluated: 2024-01-17. Review status: criteria provided, single submitter. Criteria: ACMG Guidelines, 2015. Collection method: clinical testing. Allele origin: germline.
Comment: This variant deletes 1 nucleotide in exon 5 of the PALB2 gene, creating a frameshift and premature translation stop signal. This variant is expected to result in an absent or non-functional protein product. To our knowledge, this variant has not been reported in individuals affected with PALB2-related disorders in the literature. This variant has not been identified in the general population by the Genome Aggregation Database (gnomAD). Loss of PALB2 function is a known mechanism of disease. Based on the available evidence, this variant is classified as Pathogenic.

NM_024675.4(PALB2):c.1841del (p.Leu614fs)

Gene: PALB2 (partner and localizer of BRCA2; minus strand). Cytogenetic location: 16p12.2.
Variant type: Deletion.
Coding change: c.1841del on transcript NM_024675.4 (MANE Select); coding-DNA position 1841, one base deleted (T; older notation c.1841delT).
Protein change: p.Leu614fs; shifts the reading frame from leucine 614.
Molecular consequence: frameshift variant. On other transcripts: intron variant (1).
Genome position (GRCh38, 1-based): chr16:23,630,313, A deleted on the plus strand (T on the coding strand, the reverse complement: PALB2 is on the minus strand); the first of 2 consecutive A bases (chr16:23,630,313-23,630,314); deleting either gives the same sequence. VCF-style (leftmost placement, unchanged base first): chr16-23630312-TA-T. GRCh37 (hg19) VCF-style: chr16-23641633-TA-T.
Other names: c.1781del, p.Leu594fs (NM_001407296.1); c.1841del, p.Leu614fs (NM_001407297.1, NM_001407298.1, NM_001407299.1 and 3 more transcripts); c.956del, p.Leu319fs (NM_001407304.1, NM_001407305.1, NM_001407306.1 and 5 more transcripts); c.53del, p.Leu18fs (NM_001407312.1, NM_001407313.1); c.49-1038del (NM_001407314.1); short protein forms L18fs, L319fs, L594fs, L614fs.
Identifiers: ClinVar variation 3894433 (VCV003894433.1).